The following is an entry in ClinVar:

ClinVar aggregate classification (germline): Benign. Review status: criteria provided, multiple submitters, no conflicts (2 of 4 stars). 15 submissions from 14 submitters: Benign (13). 2 of the submissions do not count toward it. Last evaluated 2026-02-04.

Conditions:
Arthrogryposis multiplex congenita 6. Identifiers: MedGen C5543431, MONDO:0030281, OMIM 619334.
Nemaline myopathy 2 (NEM2). Also called: Nemaline myopathy 2, autosomal recessive. Identifiers: MedGen C1850569, MONDO:0009725, OMIM 256030.

Allele frequency attached by ClinVar (database versions not stated): 1000 Genomes Project 30x 0.53170; 1000 Genomes Project 0.53315; TOPMed 0.64432; ESP Exome Variant Server 0.66146; gnomAD 0.66326 and 0.66350; ExAC 0.73856; gnomAD exomes 0.75110 and 0.80397.
gnomAD v4.1: 1,273,303 of 1,613,714 alleles (79%); highest among the groups gnomAD compares: Non-Finnish European, 84%; 519,826 homozygotes.

Submissions (15):

Labcorp Genetics (formerly Invitae), Labcorp
Classification: Benign for Nemaline myopathy 2. Last evaluated: 2026-02-04. Review status: criteria provided, single submitter. Criteria: Invitae Variant Classification Sherloc (09022015). Collection method: clinical testing. Allele origin: germline.

Blueprint Genetics
Classification: Benign. Last evaluated: 2024-11-26. Review status: criteria provided, single submitter. Criteria: ACMG Guidelines, 2015. Collection method: clinical testing. Allele origin: germline.

Genome-Nilou Lab
Classification: Benign for Arthrogryposis multiplex congenita 6. Last evaluated: 2021-07-10. Review status: criteria provided, single submitter. Criteria: ACMG Guidelines, 2015. Collection method: clinical testing. Allele origin: germline. Affected: no.

Genome-Nilou Lab
Classification: Benign for Nemaline myopathy 2. Last evaluated: 2021-07-10. Review status: criteria provided, single submitter. Criteria: ACMG Guidelines, 2015. Collection method: clinical testing. Allele origin: germline. Affected: no.

Athena Diagnostics
Classification: Benign. Last evaluated: 2019-03-07. Review status: criteria provided, single submitter. Criteria: Athena Diagnostics Criteria. Collection method: clinical testing. Allele origin: germline.

Illumina Laboratory Services, Illumina
Classification: Benign for Nemaline myopathy 2. Last evaluated: 2018-01-13. Review status: criteria provided, single submitter. Criteria: ICSL Variant Classification Criteria 13 December 2019. Collection method: clinical testing. Allele origin: germline.
Comment: This variant was observed in the ICSL laboratory as part of a predisposition screen in an ostensibly healthy population. It had not been previously curated by ICSL or reported in the Human Gene Mutation Database (HGMD: prior to June 1st, 2018), and was therefore a candidate for classification through an automated scoring system. Utilizing variant allele frequency, disease prevalence and penetrance estimates, and inheritance mode, an automated score was calculated to assess if this variant is too frequent to cause the disease. Based on the score and internal cut-off values, a variant classified as benign is not then subjected to further curation. The score for this variant resulted in a classification of benign for this disease.

Mayo Clinic Laboratories, Mayo Clinic
Classification: Benign. Last evaluated: 2017-07-20. Review status: criteria provided, single submitter. Criteria: ACMG Guidelines, 2015. Collection method: clinical testing. Allele origin: germline. Observed: 604 variant alleles.

Women's Health and Genetics/Laboratory Corporation of America, LabCorp
Classification: Benign. Last evaluated: 2017-02-27. Review status: criteria provided, single submitter. Criteria: LabCorp Variant Classification Summary - May 2015. Collection method: clinical testing. Allele origin: germline.
Comment: Variant summary: The NEB c.4471G>A (p.Val1491Met) variant involves the alteration of a conserved nucleotide. 2/3 in silico tools predict a benign outcome for this variant (SNPs&GO not working, MutationTaster not captured due to low p-value). This variant was found in 89152/120710 control chromosomes (34995 homozygotes) at a frequency of 0.7385635, which is approximately 209 times the estimated maximal expected allele frequency of a pathogenic NEB variant (0.0035355), evidence that this variant is a benign polymorphism. In addition, multiple clinical diagnostic laboratories/reputable databases classified this variant as benign. Taken together, this variant is classified as benign.

GeneDx
Classification: Benign. Last evaluated: 2016-01-05. Review status: criteria provided, single submitter. Criteria: GeneDx Variant Classification (06012015). Collection method: clinical testing. Allele origin: germline. Affected: yes.
Comment: This variant is considered likely benign or benign based on one or more of the following criteria: it is a conservative change, it occurs at a poorly conserved position in the protein, it is predicted to be benign by multiple in silico algorithms, and/or has population frequency not consistent with disease.

Laboratory for Molecular Medicine, Mass General Brigham Personalized Medicine
Classification: Benign. Last evaluated: 2014-11-26. Review status: criteria provided, single submitter. Criteria: LMM Criteria. Collection method: clinical testing. Allele origin: germline. Observed: 12 variant alleles.
Comment: This is a RefSeq error. The reference base (c.4471G) is the minor allele. This a llele (G) has been identified in 17% (1414/8444) of European American chromosome s and 68% (2878/4234) of African American chromosomes by the NHLBI Exome Sequenc ing Project (dbSNP rs7426114) and thus meets criteria to be classified as benign.

Eurofins Ntd Llc (ga)
Classification: Benign. Last evaluated: 2013-04-05. Review status: criteria provided, single submitter. Criteria: EGL Classification Definitions 2015. Collection method: clinical testing. Allele origin: germline. Observed: 4 variant alleles, 4 homozygotes.

Breakthrough Genomics
Classification: Benign. Review status: criteria provided, single submitter. Criteria: ACMG Guidelines, 2015. Collection method: not provided. Allele origin: germline. Inheritance: Autosomal recessive inheritance. Affected: yes.

PreventionGenetics, part of Exact Sciences
Classification: Benign. Review status: criteria provided, single submitter. Criteria: ACMG Guidelines, 2015. Collection method: clinical testing. Allele origin: germline.

Natera, Inc.
Classification: Benign for Nemaline myopathy type 2. Last evaluated: 2020-09-16. Review status: no assertion criteria provided. Collection method: clinical testing. Allele origin: germline. Not counted in ClinVar's aggregate classification.

Genetic Services Laboratory, University of Chicago
Classification: Likely benign for AllHighlyPenetrant. Review status: no assertion criteria provided. Collection method: clinical testing. Allele origin: germline. Inheritance: Autosomal recessive inheritance. Not counted in ClinVar's aggregate classification.
Comment: Likely benign based on allele frequency in 1000 Genomes Project or ESP global frequency and its presence in a patient with a rare or unrelated disease phenotype. NOT Sanger confirmed.

NM_001164508.2(NEB):c.4471G>A (p.Val1491Met)

Gene: NEB (nebulin; minus strand). Cytogenetic location: 2q23.3.
Variant type: single nucleotide variant.
Coding change: c.4471G>A on transcript NM_001164508.2 (MANE Select); coding-DNA position 4471, G replaced by A.
Protein change: p.Val1491Met; replaces valine 1491 with methionine.
Molecular consequence: missense variant.
Genome position (GRCh38, 1-based): chr2:151,671,058, C>T on the plus strand (G>A on the coding strand, the complement: NEB is on the minus strand). VCF-style: chr2-151671058-C-T. GRCh37 (hg19) VCF-style: chr2-152527572-C-T.
Other names: c.4471G>A, p.Val1491Met (NM_001164507.2, NM_001271208.2, NM_004543.5); short protein forms V1491M.
Identifiers: ClinVar variation 95131 (VCV000095131.34), dbSNP rs7426114, ClinGen allele CA148238.
Genomic context (GRCh38, chr2:151,671,058, plus strand): 5'-ATCATTTTGAAAGGAAAGCACTCACATCACTTAGCTGCTTTGTGTTATGCTGAGCCAACA[C>T]CATGCCCATGGAATCAGGCACACTTGTGAACTTGACGGTATCTGGGTGCTGTCGATACTT-3'
Protein context (NP_001157980.2, residues 1481-1501): FTSVPDSMGM[Val1491Met]LAQHNTKQLS